The following is an entry in ClinVar:

ClinVar aggregate classification (germline): Uncertain significance. Review status: criteria provided, multiple submitters, no conflicts (2 of 4 stars). 2 submissions from 2 submitters: Uncertain significance (2). Last evaluated 2025-12-01.

Conditions:
Peroxisome biogenesis disorder. Identifiers: Orphanet 79189, MedGen C1832200, MONDO:0019234. Disease mechanism: loss of function.

Submissions (2):

Myriad Genetics, Inc.
Classification: Uncertain significance for Peroxisome biogenesis disorder. Last evaluated: 2025-12-01. Review status: criteria provided, single submitter. Criteria: Myriad Autosomal Dominant, Autosomal Recessive and X-Linked Classification Criteria (2023). Collection method: clinical testing. Allele origin: unknown.
Comment: NM_000466.2(PEX1):c.2981T>C(L994P) is a missense variant classified as a variant of uncertain significance in the context of peroxisome biogenesis disorder type 1. L994P has been observed in a case with relevant disease (PMID: 21846392). Relevant functional assessments of this variant are not available in the literature. L994P has not been observed in referenced population frequency databases. In summary, there is insufficient evidence to classify NM_000466.2(PEX1):c.2981T>C(L994P) as pathogenic or benign. Please note: this variant was assessed in the context of healthy population screening.

Women's Health and Genetics/Laboratory Corporation of America, LabCorp
Classification: Uncertain significance. Last evaluated: 2025-10-30. Review status: criteria provided, single submitter. Criteria: LabCorp Variant Classification Summary - May 2015. Collection method: clinical testing. Allele origin: germline.
Comment: Variant summary: PEX1 c.2981T>C (p.Leu994Pro) results in a non-conservative amino acid change in the encoded protein sequence. Algorithms developed to predict the effect of missense changes on protein structure and function all suggest that this variant is likely to be disruptive. The variant was absent in 250978 control chromosomes. The available data on variant occurrences in the general population are insufficient to allow any conclusion about variant significance. c.2981T>C has been observed in the presumed compound heterozygous state in at least 1 individual(s) affected with clinical features of Zellweger Syndrome (example, Thoms_2011). These data do not allow any conclusion about variant significance. To our knowledge, no experimental evidence demonstrating an impact on protein function has been reported. The following publication has been ascertained in the context of this evaluation (PMID: 21846392). No submitters have cited clinical-significance assessments for this variant to ClinVar. Based on the evidence outlined above, the variant was classified as uncertain significance.

Literature cited by the submitters: PubMed 21846392 (cited by Myriad Genetics, Inc. and Women's Health and Genetics/Laboratory Corporation of America, LabCorp).

NM_000466.3(PEX1):c.2981T>C (p.Leu994Pro)

Genes: GATAD1 (GATA zinc finger domain containing 1; plus strand), PEX1 (peroxisomal biogenesis factor 1; minus strand). Cytogenetic location: 7q21.2.
Variant type: single nucleotide variant.
Coding change: c.2981T>C on transcript NM_000466.3 (MANE Select); coding-DNA position 2981, T replaced by C.
Protein change: p.Leu994Pro; replaces leucine 994 with proline.
Molecular consequence: missense variant.
Genome position (GRCh38, 1-based): chr7:92,494,342, A>G on the plus strand (T>C on the coding strand, the complement: PEX1 is on the minus strand). VCF-style: chr7-92494342-A-G. GRCh37 (hg19) VCF-style: chr7-92123656-A-G.
Other names: c.2810T>C, p.Leu937Pro (NM_001282677.2); c.2357T>C, p.Leu786Pro (NM_001282678.2); short protein forms L786P, L937P, L994P.
Identifiers: ClinVar variation 4687143 (VCV004687143.2).
Genomic context (GRCh38, chr7:92,494,342, plus strand): 5'-GAAATTGTCACCTGATCAGGAGGAGGACAGTATACACATTTATCTAGTCGACCAGGCCTA[A>G]GCAGGGCAGGGTCAATCAAGTCAGGGCGACTAGTAGCAGCCAATACATAAACACCTAGAG-3'
Protein context (NP_000457.1, residues 984-1004): SRPDLIDPAL[Leu994Pro]RPGRLDKCVY